The following is an entry in ClinVar:

NM_003803.4(MYOM1):c.3953dup (p.Gln1319fs)

Gene: MYOM1 (myomesin 1; minus strand). Cytogenetic location: 18p11.31.
Variant type: Duplication.
Coding change: c.3953dup on transcript NM_003803.4 (MANE Select); coding-DNA position 3953, one base duplicated (T; older notation c.3953dupT).
Protein change: p.Gln1319fs; shifts the reading frame from glutamine 1319.
Molecular consequence: frameshift variant.
Genome position (GRCh38, 1-based): chr18:3,090,714, A duplicated on the plus strand (T on the coding strand, the reverse complement: MYOM1 is on the minus strand); the first of 3 consecutive A bases (chr18:3,090,714-3,090,716); duplicating any one gives the same sequence. VCF-style (leftmost placement, unchanged base first): chr18-3090713-G-GA. GRCh37 (hg19) VCF-style: chr18-3090711-G-GA.
Other names: c.3665dup, p.Gln1223fs (NM_019856.2); short protein forms Q1319fs, Q1223fs.
Identifiers: ClinVar variation 2711104 (VCV002711104.3), dbSNP rs2510510633, ClinGen allele CA2697555312.

ClinVar aggregate classification (germline): Uncertain significance (1 of 4 stars; one submission).

Conditions:
Hypertrophic cardiomyopathy. Also called: HYPERTROPHIC MYOCARDIOPATHY. Identifiers: Orphanet 217569, MedGen C0007194, MeSH D002312, MONDO:0005045, HP:0001639.

Submission:

Labcorp Genetics (formerly Invitae), Labcorp
Classification: Uncertain significance for Hypertrophic cardiomyopathy. Last evaluated: 2024-01-24. Review status: criteria provided, single submitter. Criteria: Invitae Variant Classification Sherloc (09022015). Collection method: clinical testing. Allele origin: germline.
Comment: This sequence change creates a premature translational stop signal (p.Gln1319Profs*9) in the MYOM1 gene. It is expected to result in an absent or disrupted protein product. However, the current clinical and genetic evidence is not sufficient to establish whether loss-of-function variants in MYOM1 cause disease. This variant is not present in population databases (gnomAD no frequency). This variant has not been reported in the literature in individuals affected with MYOM1-related conditions. In summary, the available evidence is currently insufficient to determine the role of this variant in disease. Therefore, it has been classified as a Variant of Uncertain Significance.